The following is an entry in ClinVar:

ClinVar aggregate classification (germline): Uncertain significance (1 of 4 stars; one submission).

Conditions:
Inborn genetic diseases. Identifiers: MedGen C0950123, MeSH D030342.

Allele frequency attached by ClinVar (database versions not stated): gnomAD exomes below 0.00001; TOPMed below 0.00001; gnomAD 0.00001.
gnomAD v4.1: 4 of 1,613,292 alleles (0.00025%); highest among the groups gnomAD compares: Admixed American, 0.0017%; no homozygotes.

Submission:

Ambry Genetics
Classification: Uncertain significance for Hereditary disease. Last evaluated: 2017-05-12. Review status: criteria provided, single submitter. Criteria: ambry_reporting_categories_2017. Collection method: clinical testing. Allele origin: germline. Affected: yes. Observed: 1 heterozygote. Segregation with disease observed.
Comment: Lines of evidence used in support of classification: UNCERTAIN: Alteration(s) of Uncertain Clinical Significance Detected

Literature cited by the submitters: PubMed 19539236; PubMed 25394726; PubMed 22495309; PubMed 25870235; PubMed 24936512; PubMed 19855400; PubMed 24000151; PubMed 20167921.

NM_000435.3(NOTCH3):c.1232C>T (p.Thr411Met)

Gene: NOTCH3 (notch receptor 3; minus strand). Cytogenetic location: 19p13.12.
Variant type: single nucleotide variant.
Coding change: c.1232C>T on transcript NM_000435.3 (MANE Select); coding-DNA position 1232, C replaced by T.
Protein change: p.Thr411Met; replaces threonine 411 with methionine.
Molecular consequence: missense variant.
Genome position (GRCh38, 1-based): chr19:15,189,135, G>A on the plus strand (C>T on the coding strand, the complement: NOTCH3 is on the minus strand). VCF-style: chr19-15189135-G-A. GRCh37 (hg19) VCF-style: chr19-15299946-G-A.
Other names: short protein forms T411M.
Identifiers: ClinVar variation 521738 (VCV000521738.3), dbSNP rs1555729077, ClinGen allele CA404528318.